The following is an entry in ClinVar:

NM_003136.4(SRP54):c.373T>C (p.Tyr125His)

Gene: SRP54 (signal recognition particle 54; plus strand). Cytogenetic location: 14q13.2.
Variant type: single nucleotide variant.
Coding change: c.373T>C on transcript NM_003136.4 (MANE Select); coding-DNA position 373, T replaced by C.
Protein change: p.Tyr125His; replaces tyrosine 125 with histidine.
Molecular consequence: missense variant.
Genome position (GRCh38, 1-based): chr14:35,008,639, T>C. VCF-style: chr14-35008639-T-C. GRCh37 (hg19) VCF-style: chr14-35477845-T-C.
Other names: c.226T>C, p.Tyr76His (NM_001146282.2); short protein forms Y125H, Y76H.
Identifiers: ClinVar variation 1315173 (VCV001315173.3), dbSNP rs2138999055, ClinGen allele CA389439706.

ClinVar aggregate classification (germline): Uncertain significance (1 of 4 stars; one submission).

Allele frequency attached by ClinVar (database versions not stated): gnomAD exomes below 0.00001.
gnomAD v4.1: 5 of 1,581,132 alleles (0.00032%); highest among the groups gnomAD compares: Non-Finnish European, 0.00043%; no homozygotes.

Submission:

GeneDx
Classification: Uncertain significance. Last evaluated: 2025-07-02. Review status: criteria provided, single submitter. Criteria: GeneDx Variant Classification Process June 2021. Collection method: clinical testing. Allele origin: germline. Affected: yes.
Comment: Not observed at significant frequency in large population cohorts (gnomAD); In silico analysis supports that this missense variant has a deleterious effect on protein structure/function; Has not been previously published as pathogenic or benign to our knowledge